The following is an entry in ClinVar:

NM_000393.5(COL5A2):c.2210A>G (p.His737Arg)

Gene: COL5A2 (collagen type V alpha 2 chain; minus strand). Cytogenetic location: 2q32.2.
Variant type: single nucleotide variant.
Coding change: c.2210A>G on transcript NM_000393.5 (MANE Select); coding-DNA position 2210, A replaced by G.
Protein change: p.His737Arg; replaces histidine 737 with arginine.
Molecular consequence: missense variant.
Genome position (GRCh38, 1-based): chr2:189,058,448, T>C on the plus strand (A>G on the coding strand, the complement: COL5A2 is on the minus strand). VCF-style: chr2-189058448-T-C. GRCh37 (hg19) VCF-style: chr2-189923174-T-C.
Other names: short protein forms H737R.
Identifiers: ClinVar variation 3767024 (VCV003767024.1).

ClinVar aggregate classification (germline): Uncertain significance (1 of 4 stars; one submission).

Conditions:
Ehlers-Danlos syndrome, classic type, 2 (EDSCL2). Also called: Ehlers-Danlos syndrome, type 2; Ehlers-Danlos Syndrome, Classic Type, COL5A2-Related; Ehlers-Danlos syndrome type 2 (formerly). Identifiers: Orphanet 287, Orphanet 90318, MedGen C0268336, MONDO:0019568, OMIM 130010.

gnomAD v4.1: 1 of 1,614,010 alleles (0.000062%); highest among the groups gnomAD compares: Non-Finnish European, 0.000085%; no homozygotes.

Submission:

ARUP Laboratories, Molecular Genetics and Genomics, ARUP Laboratories
Classification: Uncertain significance for Ehlers-Danlos syndrome, classic type, 2. Last evaluated: 2024-11-27. Review status: criteria provided, single submitter. Criteria: ARUP Molecular Germline Variant Investigation Process 2024. Collection method: clinical testing. Allele origin: germline.
Comment: The COL5A2 c.2210A>G; p.His737Arg variant, to our knowledge, is not reported in the medical literature or gene specific databases. This variant is also absent from the Genome Aggregation Database (v2.1.1), indicating it is not a common polymorphism. Computational analyses are uncertain whether this variant is neutral or deleterious (REVEL: 0.44). Due to limited information, the clinical significance of this variant is uncertain at this time.